The following is an entry in ClinVar:

ClinVar aggregate classification (germline): Benign. Review status: criteria provided, multiple submitters, no conflicts (2 of 4 stars). 3 submissions from 3 submitters: Benign (2). 1 of the submissions does not count toward it. Last evaluated 2026-02-03.

Conditions:
IL12RB2-related disorder. Also called: IL12RB2-related condition.

Allele frequency attached by ClinVar (database versions not stated): ESP Exome Variant Server 0.05867; gnomAD 0.05413 and 0.05639; 1000 Genomes Project 0.03874; 1000 Genomes Project 30x 0.04216.
gnomAD v4.1: 70,078 of 1,595,256 alleles (4.4%); highest among the groups gnomAD compares: African/African-American, 8%; 1,780 homozygotes.

Submissions (3):

Labcorp Genetics (formerly Invitae), Labcorp
Classification: Benign. Last evaluated: 2026-02-03. Review status: criteria provided, single submitter. Criteria: Invitae Variant Classification Sherloc (09022015). Collection method: clinical testing. Allele origin: germline.

Breakthrough Genomics
Classification: Benign. Review status: criteria provided, single submitter. Criteria: ACMG Guidelines, 2015. Collection method: not provided. Allele origin: germline. Inheritance: Unknown mechanism. Affected: yes.

PreventionGenetics, part of Exact Sciences
Classification: Benign for IL12RB2-related condition. Last evaluated: 2020-03-02. Review status: no assertion criteria provided. Collection method: clinical testing. Allele origin: germline. Not counted in ClinVar's aggregate classification.
Comment: This variant is classified as benign based on ACMG/AMP sequence variant interpretation guidelines (Richards et al. 2015 PMID: 25741868, with internal and published modifications).

NM_001374259.2(IL12RB2):c.1278G>C (p.Gln426His)

Gene: IL12RB2 (interleukin 12 receptor subunit beta 2; plus strand). Cytogenetic location: 1p31.3.
Variant type: single nucleotide variant.
Coding change: c.1278G>C on transcript NM_001374259.2 (MANE Select); coding-DNA position 1278, G replaced by C.
Protein change: p.Gln426His; replaces glutamine 426 with histidine.
Molecular consequence: missense variant. On other transcripts: non-coding transcript variant (2).
Genome position (GRCh38, 1-based): chr1:67,367,844, G>C. VCF-style: chr1-67367844-G-C. GRCh37 (hg19) VCF-style: chr1-67833527-G-C.
Other names: c.1278G>C (NM_001559.2); c.1278G>C, p.Gln426His (NM_001258214.1, NM_001258215.1, NM_001258216.1 and 2 more transcripts); short protein forms Q426H.
Identifiers: ClinVar variation 1165356 (VCV001165356.12), dbSNP rs2307145, ClinGen allele CA900461.